The following is an entry in ClinVar:

ClinVar aggregate classification (germline): Uncertain significance (1 of 4 stars; one submission).

Conditions:
Zellweger spectrum disorders (ZS). Also called: Zellweger Spectrum Disorder; Zellweger Spectrum; Zellweger Spectrum Disorder (ZSD); Zellweger syndrome. Identifiers: Orphanet 912, MedGen C0043459, MONDO:0019609.

Submission:

Labcorp Genetics (formerly Invitae), Labcorp
Classification: Uncertain significance for Zellweger spectrum disorders. Last evaluated: 2022-08-21. Review status: criteria provided, single submitter. Criteria: Invitae Variant Classification Sherloc (09022015). Collection method: clinical testing. Allele origin: germline.
Comment: This sequence change replaces proline, which is neutral and non-polar, with leucine, which is neutral and non-polar, at codon 1165 of the PEX1 protein (p.Pro1165Leu). In summary, the available evidence is currently insufficient to determine the role of this variant in disease. Therefore, it has been classified as a Variant of Uncertain Significance. Advanced modeling of protein sequence and biophysical properties (such as structural, functional, and spatial information, amino acid conservation, physicochemical variation, residue mobility, and thermodynamic stability) performed at Invitae indicates that this missense variant is not expected to disrupt PEX1 protein function. This variant has not been reported in the literature in individuals affected with PEX1-related conditions. This variant is not present in population databases (gnomAD no frequency).

NM_000466.3(PEX1):c.3494C>T (p.Pro1165Leu)

Genes: PEX1 (peroxisomal biogenesis factor 1; minus strand), GATAD1 (GATA zinc finger domain containing 1; plus strand). Cytogenetic location: 7q21.2.
Variant type: single nucleotide variant.
Coding change: c.3494C>T on transcript NM_000466.3 (MANE Select); coding-DNA position 3494, C replaced by T.
Protein change: p.Pro1165Leu; replaces proline 1165 with leucine.
Molecular consequence: missense variant.
Genome position (GRCh38, 1-based): chr7:92,489,856, G>A on the plus strand (C>T on the coding strand, the complement: PEX1 is on the minus strand). VCF-style: chr7-92489856-G-A. GRCh37 (hg19) VCF-style: chr7-92119170-G-A.
Other names: c.3323C>T, p.Pro1108Leu (NM_001282677.2); c.2870C>T, p.Pro957Leu (NM_001282678.2); short protein forms P1108L, P1165L, P957L.
Identifiers: ClinVar variation 1717236 (VCV001717236.5), dbSNP rs2484613397, ClinGen allele CA368161844.
Genomic context (GRCh38, chr7:92,489,856, plus strand): 5'-CAACCCTCTTGTGAAGCTGTCCTTAACACTGGAGGCTGTGAAAACAACTGGTCTTTCCCA[G>A]GAACTCCAGGCAAATCCTGAGTCATGGAGCTTGGTGCAGAGAGACATTGTGAGCTCTGCA-3'
Protein context (NP_000457.1, residues 1155-1175): SSMTQDLPGV[Pro1165Leu]GKDQLFSQPP